The following is an entry in ClinVar:

NM_021728.4(OTX2):c.479G>A (p.Trp160Ter)

Gene: OTX2 (orthodenticle homeobox 2; minus strand). Cytogenetic location: 14q22.3.
Variant type: single nucleotide variant.
Coding change: c.479G>A on transcript NM_021728.4 (MANE Select); coding-DNA position 479, G replaced by A.
Protein change: p.Trp160Ter; replaces tryptophan 160 with a stop codon.
Molecular consequence: nonsense. On other transcripts: non-coding transcript variant (2).
Genome position (GRCh38, 1-based): chr14:56,802,150, C>T on the plus strand (G>A on the coding strand, the complement: OTX2 is on the minus strand). VCF-style: chr14-56802150-C-T. GRCh37 (hg19) VCF-style: chr14-57268868-C-T.
Other names: c.455G>A, p.Trp152Ter (NM_001270523.2, NM_001270524.2, NM_172337.3); c.479G>A, p.Trp160Ter (NM_001270525.2); short protein forms W160*, W152*.
Identifiers: ClinVar variation 2017904 (VCV002017904.4), dbSNP rs2503896952, ClinGen allele CA390051782.

ClinVar aggregate classification (germline): Pathogenic (1 of 4 stars; one submission).

Conditions:
Anophthalmia-microphthalmia syndrome. Also called: Anophthalmia/Microphthalmia; Anophthalmia - microphthalmia. Identifiers: Orphanet 98555, MedGen C5680330, MONDO:0020147.

Submission:

Labcorp Genetics (formerly Invitae), Labcorp
Classification: Pathogenic for Anophthalmia-microphthalmia syndrome. Last evaluated: 2022-07-17. Review status: criteria provided, single submitter. Criteria: Invitae Variant Classification Sherloc (09022015). Collection method: clinical testing. Allele origin: germline.
Comment: This variant disrupts a region of the OTX2 protein in which other variant(s) (p.Ala236Ser) have been determined to be pathogenic (Invitae). This suggests that this is a clinically significant region of the protein, and that variants that disrupt it are likely to be disease-causing. For these reasons, this variant has been classified as Pathogenic. This premature translational stop signal has been observed in individual(s) with unilateral anophthalmia or microphthalmia (PMID: 20486942). In at least one individual the variant was observed to be de novo. This sequence change creates a premature translational stop signal (p.Trp152*) in the OTX2 gene. While this is not anticipated to result in nonsense mediated decay, it is expected to disrupt the last 138 amino acid(s) of the OTX2 protein. This variant is not present in population databases (gnomAD no frequency).

Literature cited by the submitters: PubMed 20486942.